The following is an entry in ClinVar:

ClinVar aggregate classification (germline): Uncertain significance (1 of 4 stars; one submission).

Allele frequency attached by ClinVar (database versions not stated): ExAC 0.00001; gnomAD exomes 0.00001; TOPMed 0.00002; gnomAD 0.00003.
gnomAD v4.1: 14 of 1,608,990 alleles (0.00087%); highest among the groups gnomAD compares: Non-Finnish European, 0.0012%; no homozygotes.

Submission:

Labcorp Genetics (formerly Invitae), Labcorp
Classification: Uncertain significance. Last evaluated: 2020-12-24. Review status: criteria provided, single submitter. Criteria: Invitae Variant Classification Sherloc (09022015). Collection method: clinical testing. Allele origin: germline.
Comment: In summary, the available evidence is currently insufficient to determine the role of this variant in disease. Therefore, it has been classified as a Variant of Uncertain Significance. Algorithms developed to predict the effect of missense changes on protein structure and function are either unavailable or do not agree on the potential impact of this missense change (SIFT: "Deleterious"; PolyPhen-2: "Probably Damaging"; Align-GVGD: "Class C0"). This variant has not been reported in the literature in individuals with TUBGCP6-related conditions. This variant is present in population databases (rs746411277, ExAC 0.002%). This sequence change replaces phenylalanine with leucine at codon 1780 of the TUBGCP6 protein (p.Phe1780Leu). The phenylalanine residue is highly conserved and there is a small physicochemical difference between phenylalanine and leucine.

NM_020461.4(TUBGCP6):c.5340C>A (p.Phe1780Leu)

Gene: TUBGCP6 (tubulin gamma complex component 6; minus strand). Cytogenetic location: 22q13.33.
Variant type: single nucleotide variant.
Coding change: c.5340C>A on transcript NM_020461.4 (MANE Select); coding-DNA position 5340, C replaced by A.
Protein change: p.Phe1780Leu; replaces phenylalanine 1780 with leucine.
Molecular consequence: missense variant.
Genome position (GRCh38, 1-based): chr22:50,217,946, G>T on the plus strand (C>A on the coding strand, the complement: TUBGCP6 is on the minus strand). VCF-style: chr22-50217946-G-T. GRCh37 (hg19) VCF-style: chr22-50656375-G-T.
Other names: short protein forms F1780L.
Identifiers: ClinVar variation 962658 (VCV000962658.9), dbSNP rs746411277, ClinGen allele CA10307068.